The following is an entry in ClinVar:

NM_001005388.3(NFASC):c.2148A>G (p.Pro716=)

Gene: NFASC (neurofascin; plus strand). Cytogenetic location: 1q32.1.
Variant type: single nucleotide variant.
Coding change: c.2148A>G on transcript NM_001005388.3 (MANE Select); coding-DNA position 2148, A replaced by G.
Protein change: p.Pro716=; no amino-acid change (proline 716 retained).
Molecular consequence: synonymous variant.
Genome position (GRCh38, 1-based): chr1:204,979,531, A>G. VCF-style: chr1-204979531-A-G. GRCh37 (hg19) VCF-style: chr1-204948659-A-G.
Other names: c.2181A>G, p.Pro727= (NM_001160331.2); c.2136A>G, p.Pro712= (NM_001160332.2, NM_001365986.1, NM_015090.4); c.2148A>G, p.Pro716= (NM_001378329.1); c.2148A>G (NM_001005388.2).
Identifiers: ClinVar variation 1247572 (VCV001247572.5), dbSNP rs6667532, ClinGen allele CA1350180.

ClinVar aggregate classification (germline): Benign. Review status: criteria provided, multiple submitters, no conflicts (2 of 4 stars). 3 submissions from 3 submitters: Benign (2). 1 of the submissions does not count toward it. Last evaluated 2020-12-04.

Conditions:
NFASC-related disorder. Also called: NFASC-related condition.

Allele frequency attached by ClinVar (database versions not stated): gnomAD exomes 0.09465; 1000 Genomes Project 0.09704; ExAC 0.09987; 1000 Genomes Project 30x 0.10103; gnomAD 0.12777 and 0.13166; TOPMed 0.12999; ESP Exome Variant Server 0.14965.
gnomAD v4.1: 169,036 of 1,613,570 alleles (10%); highest among the groups gnomAD compares: African/African-American, 22%; 9,859 homozygotes.

Submissions (3):

GeneDx
Classification: Benign. Last evaluated: 2020-12-04. Review status: criteria provided, single submitter. Criteria: GeneDx Variant Classification Process June 2021. Collection method: clinical testing. Allele origin: germline. Affected: yes.

Breakthrough Genomics
Classification: Benign. Review status: criteria provided, single submitter. Criteria: ACMG Guidelines, 2015. Collection method: not provided. Allele origin: germline. Inheritance: Autosomal recessive inheritance. Affected: yes.

PreventionGenetics, part of Exact Sciences
Classification: Benign for NFASC-related condition. Last evaluated: 2020-06-26. Review status: no assertion criteria provided. Collection method: clinical testing. Allele origin: germline. Not counted in ClinVar's aggregate classification.
Comment: This variant is classified as benign based on ACMG/AMP sequence variant interpretation guidelines (Richards et al. 2015 PMID: 25741868, with internal and published modifications).